The following is an entry in ClinVar:

ClinVar aggregate classification (germline): Likely benign (1 of 4 stars; one submission).

Allele frequency attached by ClinVar (database versions not stated): gnomAD exomes below 0.00001.
gnomAD v4.1: 2 of 1,613,342 alleles (0.00012%); highest among the groups gnomAD compares: Middle Eastern, 0.016%; no homozygotes.

Submission:

CeGaT Center for Human Genetics Tuebingen
Classification: Likely benign. Last evaluated: 2022-08-01. Review status: criteria provided, single submitter. Criteria: CeGaT Center For Human Genetics Tuebingen Variant Classification Criteria Version 2. Collection method: clinical testing. Allele origin: germline. Affected: yes. Observed: 1 variant allele.
Comment: MYRF: BP4, BP7

NM_001127392.3(MYRF):c.2898T>C (p.Pro966=)

Gene: MYRF (myelin regulatory factor; plus strand). Cytogenetic location: 11q12.2.
Variant type: single nucleotide variant.
Coding change: c.2898T>C on transcript NM_001127392.3 (MANE Select); coding-DNA position 2898, T replaced by C.
Protein change: p.Pro966=; no amino-acid change (proline 966 retained).
Molecular consequence: synonymous variant.
Genome position (GRCh38, 1-based): chr11:61,781,706, T>C. VCF-style: chr11-61781706-T-C. GRCh37 (hg19) VCF-style: chr11-61549178-T-C.
Other names: c.2793T>C, p.Pro931= (NM_013279.4).
Identifiers: ClinVar variation 2641838 (VCV002641838.24), dbSNP rs887396333, ClinGen allele CA222937443.